The following is an entry in ClinVar:

NM_000535.7(PMS2):c.1668A>G (p.Glu556=)

Gene: PMS2 (PMS1 homolog 2, mismatch repair system component; minus strand). Cytogenetic location: 7p22.1.
Variant type: single nucleotide variant.
Coding change: c.1668A>G on transcript NM_000535.7 (MANE Select); coding-DNA position 1668, A replaced by G.
Protein change: p.Glu556=; no amino-acid change (glutamic acid 556 retained).
Molecular consequence: synonymous variant. On other transcripts: non-coding transcript variant (1).
Genome position (GRCh38, 1-based): chr7:5,987,097, T>C on the plus strand (A>G on the coding strand, the complement: PMS2 is on the minus strand). VCF-style: chr7-5987097-T-C. GRCh37 (hg19) VCF-style: chr7-6026728-T-C.
Other names: c.1263A>G, p.Glu421= (NM_001322003.2, NM_001322004.2, NM_001322005.2 and 1 more transcripts); c.1512A>G, p.Glu504= (NM_001322006.2); c.1350A>G, p.Glu450= (NM_001322007.2, NM_001322008.2); c.1107A>G, p.Glu369= (NM_001322010.2); c.735A>G, p.Glu245= (NM_001322011.2, NM_001322012.2); c.1095A>G, p.Glu365= (NM_001322013.2); c.1668A>G, p.Glu556= (NM_001322014.2); c.1359A>G, p.Glu453= (NM_001322015.2).
Identifiers: ClinVar variation 232461 (VCV000232461.22), dbSNP rs876659780, ClinGen allele CA10578667.

ClinVar aggregate classification (germline): Benign/Likely benign. Review status: criteria provided, multiple submitters, no conflicts (2 of 4 stars). 7 submissions from 7 submitters: Benign (1); Likely benign (6). Last evaluated 2026-01-28.

Conditions:
Hereditary cancer-predisposing syndrome. Also called: Neoplastic Syndromes, Hereditary; Tumor predisposition; Hereditary Cancer Syndrome; Hereditary neoplastic syndrome. Identifiers: Orphanet 140162, MedGen C0027672, MeSH D009386, MONDO:0015356.
Lynch syndrome 4 (LYNCH4). Also called: Colorectal cancer, hereditary nonpolyposis, type 4; Hereditary non-polyposis colorectal cancer, type 4. Identifiers: Orphanet 144, MedGen C1838333, MONDO:0013699, OMIM 614337. Disease mechanism: loss of function.
Hereditary nonpolyposis colorectal neoplasms. Identifiers: MedGen C0009405, MeSH D003123.
Lynch syndrome. Identifiers: Orphanet 144, MedGen C4552100, MONDO:0005835. Disease mechanism: loss of function.

Allele frequency attached by ClinVar (database versions not stated): gnomAD exomes below 0.00001; gnomAD 0.00003; TOPMed 0.00003.
gnomAD v4.1: 8 of 1,614,062 alleles (0.0005%); highest among the groups gnomAD compares: African/African-American, 0.0093%; no homozygotes.

Submissions (7):

Labcorp Genetics (formerly Invitae), Labcorp
Classification: Likely benign for Hereditary nonpolyposis colorectal neoplasms. Last evaluated: 2026-01-28. Review status: criteria provided, single submitter. Criteria: Invitae Variant Classification Sherloc (09022015). Collection method: clinical testing. Allele origin: germline.

Myriad Genetics, Inc.
Classification: Benign for Lynch syndrome 4. Last evaluated: 2025-01-31. Review status: criteria provided, single submitter. Criteria: Myriad Autosomal Dominant, Autosomal Recessive and X-Linked Classification Criteria (2023). Collection method: clinical testing. Allele origin: unknown.
Comment: This variant is considered benign. This variant is a silent/synonymous amino acid change and it is not expected to impact splicing.

All of Us Research Program, National Institutes of Health
Classification: Likely benign for Lynch syndrome. Last evaluated: 2023-10-02. Review status: criteria provided, single submitter. Criteria: ACMG Guidelines, 2015. Collection method: clinical testing. Allele origin: germline. Inheritance: Autosomal dominant inheritance. Observed: 1 variant allele, 1 heterozygote.
Comment: This study involves interpretation of variants in research participants for the purpose of population health screening. Participant phenotype was not available at the time of variant classification. Additional details can be found in publication PMID: 35346344, PMCID: PMC8962531

Color Diagnostics, LLC DBA Color Health
Classification: Likely benign for Hereditary cancer-predisposing syndrome. Last evaluated: 2020-08-03. Review status: criteria provided, single submitter. Criteria: ACMG Guidelines, 2015. Collection method: clinical testing. Allele origin: germline.

Women's Health and Genetics/Laboratory Corporation of America, LabCorp
Classification: Likely benign. Last evaluated: 2019-08-29. Review status: criteria provided, single submitter. Criteria: LabCorp Variant Classification Summary - May 2015. Collection method: clinical testing. Allele origin: germline.

GeneDx
Classification: Likely benign. Last evaluated: 2018-12-27. Review status: criteria provided, single submitter. Criteria: GeneDx Variant Classification Process June 2021. Collection method: clinical testing. Allele origin: germline. Affected: yes.

Ambry Genetics
Classification: Likely benign for Hereditary cancer-predisposing syndrome. Last evaluated: 2015-06-23. Review status: criteria provided, single submitter. Criteria: Ambry Variant Classification Scheme 2023. Collection method: clinical testing. Allele origin: germline.